The following is an entry in ClinVar:

NM_206933.4(USH2A):c.11865G>A (p.Trp3955Ter)

Gene: USH2A (usherin; minus strand). Cytogenetic location: 1q41.
Variant type: single nucleotide variant.
Coding change: c.11865G>A on transcript NM_206933.4 (MANE Select); coding-DNA position 11865, G replaced by A.
Protein change: p.Trp3955Ter; replaces tryptophan 3955 with a stop codon.
Molecular consequence: nonsense.
Genome position (GRCh38, 1-based): chr1:215,728,231, C>T on the plus strand (G>A on the coding strand, the complement: USH2A is on the minus strand). VCF-style: chr1-215728231-C-T. GRCh37 (hg19) VCF-style: chr1-215901573-C-T.
Other names: short protein forms W3955*.
Identifiers: ClinVar variation 3240704 (VCV003240704.3), dbSNP rs1659889270.
Genomic context (GRCh38, chr1:215,728,231, plus strand): 5'-GGCTTGAGCCCAAGGAGCTGGAAAATCTTGAGGTGGAGCTTCCAGAGTTTGTGTTAATGA[C>T]CACAGACTCTCCACTGAACCCTTGGAGTTACAGGCTCTGACCCGATATTCGTAGAGTGTG-3'

ClinVar aggregate classification (germline): Pathogenic. Review status: criteria provided, multiple submitters, no conflicts (2 of 4 stars). 2 submissions from 2 submitters: Pathogenic (2). Last evaluated 2024-02-29.

Conditions:
Retinitis pigmentosa 39 (RP39). Identifiers: Orphanet 791, MedGen C3151138, MONDO:0013436, OMIM 613809.

Allele frequency attached by ClinVar (database versions not stated): TOPMed below 0.00001.

Submissions (2):

Labcorp Genetics (formerly Invitae), Labcorp
Classification: Pathogenic. Last evaluated: 2024-02-29. Review status: criteria provided, single submitter. Criteria: Invitae Variant Classification Sherloc (09022015). Collection method: clinical testing. Allele origin: germline.
Comment: This sequence change creates a premature translational stop signal (p.Trp3955*) in the USH2A gene. It is expected to result in an absent or disrupted protein product. Loss-of-function variants in USH2A are known to be pathogenic (PMID: 10729113, 10909849, 20507924, 25649381). This variant is not present in population databases (gnomAD no frequency). This premature translational stop signal has been observed in individual(s) with cone-rod dystrophy (PMID: 30029497). For these reasons, this variant has been classified as Pathogenic.

Baylor Genetics
Classification: Pathogenic for Retinitis pigmentosa 39. Last evaluated: 2024-02-17. Review status: criteria provided, single submitter. Criteria: ACMG Guidelines, 2015. Collection method: clinical testing. Allele origin: unknown.

Literature cited by the submitters: PubMed 10729113 (cited by Labcorp Genetics (formerly Invitae), Labcorp); PubMed 10909849 (cited by Labcorp Genetics (formerly Invitae), Labcorp); PubMed 20507924 (cited by Labcorp Genetics (formerly Invitae), Labcorp); PubMed 25649381 (cited by Labcorp Genetics (formerly Invitae), Labcorp); PubMed 30029497 (cited by Labcorp Genetics (formerly Invitae), Labcorp).